The following is an entry in ClinVar:

NM_152383.5(DIS3L2):c.2473A>G (p.Met825Val)

Gene: DIS3L2 (DIS3 like 3'-5' exoribonuclease 2; plus strand). Cytogenetic location: 2q37.1.
Variant type: single nucleotide variant.
Coding change: c.2473A>G on transcript NM_152383.5 (MANE Select); coding-DNA position 2473, A replaced by G.
Protein change: p.Met825Val; replaces methionine 825 with valine.
Molecular consequence: missense variant. On other transcripts: non-coding transcript variant (2), intron variant (1).
Genome position (GRCh38, 1-based): chr2:232,335,851, A>G. VCF-style: chr2-232335851-A-G. GRCh37 (hg19) VCF-style: chr2-233200561-A-G.
Other names: c.1582-7494A>G (NM_001257281.2); short protein forms M825V.
Identifiers: ClinVar variation 2740769 (VCV002740769.3), dbSNP rs2469453034, ClinGen allele CA350978304.

ClinVar aggregate classification (germline): Uncertain significance (1 of 4 stars; one submission).

Conditions:
Perlman syndrome (PRLMNS). Identifiers: Orphanet 2849, MedGen C0796113, MONDO:0009965, OMIM 267000.

Allele frequency attached by ClinVar (database versions not stated): gnomAD exomes below 0.00001.
gnomAD v4.1: 5 of 1,550,754 alleles (0.00032%); highest among the groups gnomAD compares: Non-Finnish European, 0.00044%; no homozygotes.

Submission:

Labcorp Genetics (formerly Invitae), Labcorp
Classification: Uncertain significance for Perlman syndrome. Last evaluated: 2023-07-25. Review status: criteria provided, single submitter. Criteria: Invitae Variant Classification Sherloc (09022015). Collection method: clinical testing. Allele origin: germline.
Comment: This sequence change replaces methionine, which is neutral and non-polar, with valine, which is neutral and non-polar, at codon 825 of the DIS3L2 protein (p.Met825Val). This variant is not present in population databases (gnomAD no frequency). This variant has not been reported in the literature in individuals affected with DIS3L2-related conditions. Advanced modeling of protein sequence and biophysical properties (such as structural, functional, and spatial information, amino acid conservation, physicochemical variation, residue mobility, and thermodynamic stability) performed at Invitae indicates that this missense variant is not expected to disrupt DIS3L2 protein function. In summary, the available evidence is currently insufficient to determine the role of this variant in disease. Therefore, it has been classified as a Variant of Uncertain Significance.